The following is an entry in ClinVar:

NM_001376.5(DYNC1H1):c.12854C>T (p.Ala4285Val)

Gene: DYNC1H1 (dynein cytoplasmic 1 heavy chain 1; plus strand). Cytogenetic location: 14q32.31.
Variant type: single nucleotide variant.
Coding change: c.12854C>T on transcript NM_001376.5 (MANE Select); coding-DNA position 12854, C replaced by T.
Protein change: p.Ala4285Val; replaces alanine 4285 with valine.
Molecular consequence: missense variant.
Genome position (GRCh38, 1-based): chr14:102,044,443, C>T. VCF-style: chr14-102044443-C-T. GRCh37 (hg19) VCF-style: chr14-102510780-C-T.
Other names: short protein forms A4285V.
Identifiers: ClinVar variation 2741087 (VCV002741087.3), dbSNP rs908965270, ClinGen allele CA266981228.

ClinVar aggregate classification (germline): Uncertain significance (1 of 4 stars; one submission).

Conditions:
Charcot-Marie-Tooth disease axonal type 2O. Also called: CHARCOT-MARIE-TOOTH NEUROPATHY, AXONAL, TYPE 2O; CHARCOT-MARIE-TOOTH DISEASE, AXONAL, AUTOSOMAL DOMINANT, TYPE 2O; Charcot-Marie-Tooth Neuropathy Type 2O; Charcot-Marie-Tooth disease, axonal, type 20. Identifiers: Orphanet 284232, MedGen C3280220, MONDO:0013644, OMIM 614228.

Submission:

Labcorp Genetics (formerly Invitae), Labcorp
Classification: Uncertain significance for Charcot-Marie-Tooth disease axonal type 2O. Last evaluated: 2024-03-05. Review status: criteria provided, single submitter. Criteria: Invitae Variant Classification Sherloc (09022015). Collection method: clinical testing. Allele origin: germline.
Comment: This sequence change replaces alanine, which is neutral and non-polar, with valine, which is neutral and non-polar, at codon 4285 of the DYNC1H1 protein (p.Ala4285Val). This variant is not present in population databases (gnomAD no frequency). This variant has not been reported in the literature in individuals affected with DYNC1H1-related conditions. Advanced modeling of protein sequence and biophysical properties (such as structural, functional, and spatial information, amino acid conservation, physicochemical variation, residue mobility, and thermodynamic stability) performed at Invitae indicates that this missense variant is not expected to disrupt DYNC1H1 protein function with a negative predictive value of 95%. In summary, the available evidence is currently insufficient to determine the role of this variant in disease. Therefore, it has been classified as a Variant of Uncertain Significance.